The following is an entry in ClinVar:

NM_012193.4(FZD4):c.554G>T (p.Gly185Val)

Genes: FZD4 (frizzled class receptor 4; minus strand), PRSS23 (serine protease 23; plus strand). Cytogenetic location: 11q14.2.
Variant type: single nucleotide variant.
Coding change: c.554G>T on transcript NM_012193.4 (MANE Select); coding-DNA position 554, G replaced by T.
Protein change: p.Gly185Val; replaces glycine 185 with valine.
Molecular consequence: missense variant. On other transcripts: non-coding transcript variant (2).
Genome position (GRCh38, 1-based): chr11:86,952,202, C>A on the plus strand (G>T on the coding strand, the complement: FZD4 is on the minus strand). VCF-style: chr11-86952202-C-A. GRCh37 (hg19) VCF-style: chr11-86663244-C-A.
Other names: short protein forms G185V.
Identifiers: ClinVar variation 3097676 (VCV003097676.5), dbSNP rs771911050, ClinGen allele CA6218444.
Genomic context (GRCh38, chr11:86,952,202, plus strand): 5'-CCACACTTGAGCACACAGTTCAGGCTCCTTTTCACCCAGATGTACTGATCAGAATTGGTT[C>A]CCACAGAGTGACACTCTTCCCCAGGCTGGATGGGGGTTTTGTGAGGTAAGGGCACCTCTT-3'
Protein context (NP_036325.2, residues 175-195): IQPGEECHSV[Gly185Val]TNSDQYIWVK

ClinVar aggregate classification (germline): Uncertain significance. Review status: criteria provided, multiple submitters, no conflicts (2 of 4 stars). 4 submissions from 4 submitters: Uncertain significance (4). Last evaluated 2025-09-10.

Conditions:
Inborn genetic diseases. Identifiers: MedGen C0950123, MeSH D030342.

Allele frequency attached by ClinVar (database versions not stated): TOPMed below 0.00001; ExAC 0.00001; gnomAD 0.00001; gnomAD exomes 0.00003.
gnomAD v4.1: 39 of 1,613,494 alleles (0.0024%); highest among the groups gnomAD compares: Non-Finnish European, 0.0032%; no homozygotes.

Submissions (4):

GeneDx
Classification: Uncertain significance. Last evaluated: 2025-09-10. Review status: criteria provided, single submitter. Criteria: GeneDx Variant Classification Process June 2021. Collection method: clinical testing. Allele origin: germline. Affected: yes.
Comment: In silico analysis suggests that this missense variant does not alter protein structure/function; Has not been previously published as pathogenic or benign to our knowledge

Labcorp Genetics (formerly Invitae), Labcorp
Classification: Uncertain significance. Last evaluated: 2024-11-19. Review status: criteria provided, single submitter. Criteria: Invitae Variant Classification Sherloc (09022015). Collection method: clinical testing. Allele origin: germline.
Comment: This sequence change replaces glycine, which is neutral and non-polar, with valine, which is neutral and non-polar, at codon 185 of the FZD4 protein (p.Gly185Val). This variant is present in population databases (rs771911050, gnomAD 0.005%). This variant has not been reported in the literature in individuals affected with FZD4-related conditions. ClinVar contains an entry for this variant (Variation ID: 3097676). Invitae Evidence Modeling of protein sequence and biophysical properties (such as structural, functional, and spatial information, amino acid conservation, physicochemical variation, residue mobility, and thermodynamic stability) has been performed for this missense variant. However, the output from this modeling did not meet the statistical confidence thresholds required to predict the impact of this variant on FZD4 protein function. In summary, the available evidence is currently insufficient to determine the role of this variant in disease. Therefore, it has been classified as a Variant of Uncertain Significance.

Ambry Genetics
Classification: Uncertain significance for Inborn genetic diseases. Last evaluated: 2022-10-27. Review status: criteria provided, single submitter. Criteria: Ambry Variant Classification Scheme 2023. Collection method: clinical testing. Allele origin: germline.

Blueprint Genetics
Classification: Uncertain significance. Last evaluated: 2018-04-28. Review status: criteria provided, single submitter. Criteria: ACMG Guidelines, 2015. Collection method: clinical testing. Allele origin: germline.